The following is an entry in ClinVar:

ClinVar aggregate classification (germline): Likely benign. Review status: criteria provided, multiple submitters, no conflicts (2 of 4 stars). 2 submissions from 2 submitters: Likely benign (2). Last evaluated 2024-12-24.

Allele frequency attached by ClinVar (database versions not stated): gnomAD exomes below 0.00001; TOPMed below 0.00001.
gnomAD v4.1: 6 of 1,614,230 alleles (0.00037%); highest among the groups gnomAD compares: Non-Finnish European, 0.00051%; no homozygotes.

Submissions (2):

Mayo Clinic Laboratories, Mayo Clinic
Classification: Likely benign. Last evaluated: 2024-12-24. Review status: criteria provided, single submitter. Criteria: ACMG Guidelines, 2015. Collection method: clinical testing. Allele origin: germline. Observed: 1 variant allele.
Comment: BP4, BP7

Labcorp Genetics (formerly Invitae), Labcorp
Classification: Likely benign. Last evaluated: 2024-04-05. Review status: criteria provided, single submitter. Criteria: Invitae Variant Classification Sherloc (09022015). Collection method: clinical testing. Allele origin: germline.

NM_001042472.3(ABHD12):c.696A>G (p.Lys232=)

Genes: ABHD12 (abhydrolase domain containing 12, lysophospholipase; minus strand), LOC126863008 (CDK7 strongly-dependent group 2 enhancer GRCh37_chr20:25289826-25291025; plus strand). Cytogenetic location: 20p11.21.
Variant type: single nucleotide variant.
Coding change: c.696A>G on transcript NM_001042472.3 (MANE Select); coding-DNA position 696, A replaced by G.
Protein change: p.Lys232=; no amino-acid change (lysine 232 retained).
Molecular consequence: synonymous variant.
Genome position (GRCh38, 1-based): chr20:25,309,499, T>C on the plus strand (A>G on the coding strand, the complement: ABHD12 is on the minus strand). VCF-style: chr20-25309499-T-C. GRCh37 (hg19) VCF-style: chr20-25290135-T-C.
Other names: p.Lys232=; c.696A>G, p.Lys232= (NM_015600.5).
Identifiers: ClinVar variation 1511583 (VCV001511583.9), dbSNP rs1347379853, ClinGen allele CA509892763.